The following is an entry in ClinVar:

ClinVar aggregate classification (germline): Benign. Review status: criteria provided, multiple submitters, no conflicts (2 of 4 stars). 13 submissions from 12 submitters: Benign (10). 3 of the submissions do not count toward it. Last evaluated 2026-02-04.

Conditions:
Familial hyperaldosteronism type III. Also called: Familial hyperaldosteronism type 3; FH III. Identifiers: Orphanet 251274, MedGen C3838758, MONDO:0013359, OMIM 613677.
Long QT syndrome (LQTS). Identifiers: MedGen C0023976, MeSH D008133, MONDO:0002442. Disease mechanism: loss of function. Inheritance: Various modes of inheritance.
Long QT syndrome 13 (LQT13). Identifiers: Orphanet 101016, Orphanet 768, MedGen C3150733, MONDO:0013279, OMIM 613485.

Allele frequency attached by ClinVar (database versions not stated): gnomAD exomes 0.72224 and 0.73112; ExAC 0.73460; 1000 Genomes Project 0.73582; 1000 Genomes Project 30x 0.73782; gnomAD 0.74231 and 0.74403; TOPMed 0.74739; ESP Exome Variant Server 0.74785.
gnomAD v4.1: 1,165,593 of 1,608,824 alleles (72%); highest among the groups gnomAD compares: Middle Eastern, 81%; 423,607 homozygotes.

Submissions (13):

Labcorp Genetics (formerly Invitae), Labcorp
Classification: Benign for Long QT syndrome. Last evaluated: 2026-02-04. Review status: criteria provided, single submitter. Criteria: Invitae Variant Classification Sherloc (09022015). Collection method: clinical testing. Allele origin: germline.

Blueprint Genetics
Classification: Benign. Last evaluated: 2024-11-27. Review status: criteria provided, single submitter. Criteria: ACMG Guidelines, 2015. Collection method: clinical testing. Allele origin: germline.

Women's Health and Genetics/Laboratory Corporation of America, LabCorp
Classification: Benign. Last evaluated: 2023-04-04. Review status: criteria provided, single submitter. Criteria: LabCorp Variant Classification Summary - May 2015. Collection method: clinical testing. Allele origin: germline.

Mayo Clinic Laboratories, Mayo Clinic
Classification: Benign. Last evaluated: 2022-03-09. Review status: criteria provided, single submitter. Criteria: ACMG Guidelines, 2015. Collection method: clinical testing. Allele origin: germline. Observed: 528 variant alleles.

Genome-Nilou Lab
Classification: Benign for Familial hyperaldosteronism type III. Last evaluated: 2021-08-19. Review status: criteria provided, single submitter. Criteria: ACMG Guidelines, 2015. Collection method: clinical testing. Allele origin: germline. Affected: no.

Genome-Nilou Lab
Classification: Benign for Long QT syndrome 13. Last evaluated: 2021-08-19. Review status: criteria provided, single submitter. Criteria: ACMG Guidelines, 2015. Collection method: clinical testing. Allele origin: germline. Affected: no.

Illumina Laboratory Services, Illumina
Classification: Benign for Familial hyperaldosteronism type III. Last evaluated: 2018-01-13. Review status: criteria provided, single submitter. Criteria: ICSL Variant Classification Criteria 13 December 2019. Collection method: clinical testing. Allele origin: germline.
Comment: This variant was observed in the ICSL laboratory as part of a predisposition screen in an ostensibly healthy population. It had not been previously curated by ICSL or reported in the Human Gene Mutation Database (HGMD: prior to June 1st, 2018), and was therefore a candidate for classification through an automated scoring system. Utilizing variant allele frequency, disease prevalence and penetrance estimates, and inheritance mode, an automated score was calculated to assess if this variant is too frequent to cause the disease. Based on the score and internal cut-off values, a variant classified as benign is not then subjected to further curation. The score for this variant resulted in a classification of benign for this disease.

GeneDx
Classification: Benign. Last evaluated: 2014-01-06. Review status: criteria provided, single submitter. Criteria: GeneDx Variant Classification (06012015). Collection method: clinical testing. Allele origin: germline. Affected: yes.
Comment: This variant is considered likely benign or benign based on one or more of the following criteria: it is a conservative change, it occurs at a poorly conserved position in the protein, it is predicted to be benign by multiple in silico algorithms, and/or has population frequency not consistent with disease.

Breakthrough Genomics
Classification: Benign. Review status: criteria provided, single submitter. Criteria: ACMG Guidelines, 2015. Collection method: not provided. Allele origin: germline. Inheritance: Autosomal dominant inheritance. Affected: yes.

PreventionGenetics, part of Exact Sciences
Classification: Benign. Review status: criteria provided, single submitter. Criteria: ACMG Guidelines, 2015. Collection method: clinical testing. Allele origin: germline.

Clinical Genetics, Academic Medical Center
Classification: Benign. Review status: no assertion criteria provided. Collection method: clinical testing. Allele origin: germline. Affected: yes. Study: VKGL Data-share Consensus. Not counted in ClinVar's aggregate classification.

Diagnostic Laboratory, Department of Genetics, University Medical Center Groningen
Classification: Benign. Review status: no assertion criteria provided. Collection method: clinical testing. Allele origin: germline. Affected: yes. Study: VKGL Data-share Consensus. Not counted in ClinVar's aggregate classification.

Joint Genome Diagnostic Labs from Nijmegen and Maastricht, Radboudumc and MUMC+
Classification: Benign. Review status: no assertion criteria provided. Collection method: clinical testing. Allele origin: germline. Affected: yes. Study: VKGL Data-share Consensus. Not counted in ClinVar's aggregate classification.

NM_000890.5(KCNJ5):c.938-10G>A

Gene: KCNJ5 (potassium inwardly rectifying channel subfamily J member 5; plus strand). Cytogenetic location: 11q24.3.
Variant type: single nucleotide variant.
Coding change: c.938-10G>A on transcript NM_000890.5 (MANE Select); 10 bases into the intron before coding-DNA position 938, G replaced by A.
Molecular consequence: intron variant.
Genome position (GRCh38, 1-based): chr11:128,916,399, G>A. VCF-style: chr11-128916399-G-A. GRCh37 (hg19) VCF-style: chr11-128786294-G-A.
Other names: p.?; c.938-10G>A (NM_001354169.2, LRG_333t1).
Identifiers: ClinVar variation 137995 (VCV000137995.30), dbSNP rs4937391, ClinGen allele CA291762.